The following is an entry in ClinVar:

ClinVar aggregate classification (germline): Uncertain significance (1 of 4 stars; one submission).

Conditions:
Hereditary cancer-predisposing syndrome. Also called: Neoplastic Syndromes, Hereditary; Tumor predisposition; Hereditary Cancer Syndrome; Hereditary neoplastic syndrome. Identifiers: Orphanet 140162, MedGen C0027672, MeSH D009386, MONDO:0015356.

Allele frequency attached by ClinVar (database versions not stated): gnomAD exomes below 0.00001; ExAC 0.00001.
gnomAD v4.1: 2 of 1,613,750 alleles (0.00012%); highest among the groups gnomAD compares: Non-Finnish European, 0.00017%; no homozygotes.

Submission:

Ambry Genetics
Classification: Uncertain significance for Hereditary cancer-predisposing syndrome. Last evaluated: 2018-03-15. Review status: criteria provided, single submitter. Criteria: Ambry Variant Classification Scheme 2023. Collection method: clinical testing. Allele origin: germline.
Comment: The p.P8S variant (also known as c.22C>T), located in coding exon 1 of the DICER1 gene, results from a C to T substitution at nucleotide position 22. The proline at codon 8 is replaced by serine, an amino acid with similar properties. This amino acid position is not well conserved in available vertebrate species. In addition, this alteration is predicted to be tolerated by in silico analysis. Since supporting evidence is limited at this time, the clinical significance of this alteration remains unclear.

NM_177438.3(DICER1):c.22C>T (p.Pro8Ser)

Gene: DICER1 (dicer 1, ribonuclease III; minus strand). Cytogenetic location: 14q32.13.
Variant type: single nucleotide variant.
Coding change: c.22C>T on transcript NM_177438.3 (MANE Select); coding-DNA position 22, C replaced by T.
Protein change: p.Pro8Ser; replaces proline 8 with serine.
Molecular consequence: missense variant.
Genome position (GRCh38, 1-based): chr14:95,133,437, G>A on the plus strand (C>T on the coding strand, the complement: DICER1 is on the minus strand). VCF-style: chr14-95133437-G-A. GRCh37 (hg19) VCF-style: chr14-95599774-G-A.
Other names: c.22C>T, p.Pro8Ser (NM_001195573.1, NM_001271282.3, NM_001291628.2 and 1 more transcripts); short protein forms P8S.
Identifiers: ClinVar variation 821056 (VCV000821056.4), dbSNP rs748788519, ClinGen allele CA7331758.